The following is an entry in ClinVar:

ClinVar aggregate classification (germline): Uncertain significance (1 of 4 stars; one submission).

Submission:

CeGaT Center for Human Genetics Tuebingen
Classification: Uncertain significance. Last evaluated: 2023-10-01. Review status: criteria provided, single submitter. Criteria: CeGaT Center For Human Genetics Tuebingen Variant Classification Criteria Version 2. Collection method: clinical testing. Allele origin: germline. Affected: yes. Observed: 1 variant allele.
Comment: ARID1A: PM2, BP4

NM_006015.6(ARID1A):c.5626C>T (p.Pro1876Ser)

Gene: ARID1A (AT-rich interaction domain 1A; plus strand). Cytogenetic location: 1p36.11.
Variant type: single nucleotide variant.
Coding change: c.5626C>T on transcript NM_006015.6 (MANE Select); coding-DNA position 5626, C replaced by T.
Protein change: p.Pro1876Ser; replaces proline 1876 with serine.
Molecular consequence: missense variant.
Genome position (GRCh38, 1-based): chr1:26,779,524, C>T. VCF-style: chr1-26779524-C-T. GRCh37 (hg19) VCF-style: chr1-27106015-C-T.
Other names: c.4975C>T, p.Pro1659Ser (NM_139135.4); short protein forms P1659S, P1876S.
Identifiers: ClinVar variation 2638545 (VCV002638545.24), dbSNP rs2124141084, ClinGen allele CA339186118.